The following is an entry in ClinVar:

ClinVar aggregate classification (germline): Uncertain significance. Review status: criteria provided, multiple submitters, no conflicts (2 of 4 stars). 2 submissions from 2 submitters: Uncertain significance (2). Last evaluated 2025-04-05.

Conditions:
Inborn genetic diseases. Identifiers: MedGen C0950123, MeSH D030342.

Submissions (2):

Ambry Genetics
Classification: Uncertain significance for Inborn genetic diseases. Last evaluated: 2025-04-05. Review status: criteria provided, single submitter. Criteria: Ambry Variant Classification Scheme 2023. Collection method: clinical testing. Allele origin: germline.
Comment: The p.P6T variant (also known as c.16C>A), located in coding exon 1 of the DDX41 gene, results from a C to A substitution at nucleotide position 16. The proline at codon 6 is replaced by threonine, an amino acid with highly similar properties. This amino acid position is conserved. In addition, this alteration is predicted to be tolerated by in silico analysis. Based on the available evidence, the clinical significance of this variant remains unclear.

Labcorp Genetics (formerly Invitae), Labcorp
Classification: Uncertain significance. Last evaluated: 2024-01-04. Review status: criteria provided, single submitter. Criteria: Invitae Variant Classification Sherloc (09022015). Collection method: clinical testing. Allele origin: germline.
Comment: This sequence change replaces proline, which is neutral and non-polar, with threonine, which is neutral and polar, at codon 6 of the DDX41 protein (p.Pro6Thr). This variant is not present in population databases (gnomAD no frequency). This variant has not been reported in the literature in individuals affected with DDX41-related conditions. An algorithm developed to predict the effect of missense changes on protein structure and function (PolyPhen-2) suggests that this variant is likely to be tolerated. In summary, the available evidence is currently insufficient to determine the role of this variant in disease. Therefore, it has been classified as a Variant of Uncertain Significance.

NM_016222.4(DDX41):c.16C>A (p.Pro6Thr)

Gene: DDX41 (DEAD-box helicase 41; minus strand). Cytogenetic location: 5q35.3.
Variant type: single nucleotide variant.
Coding change: c.16C>A on transcript NM_016222.4 (MANE Select); coding-DNA position 16, C replaced by A.
Protein change: p.Pro6Thr; replaces proline 6 with threonine.
Molecular consequence: missense variant. On other transcripts: 5 prime UTR variant (2).
Genome position (GRCh38, 1-based): chr5:177,516,930, G>T on the plus strand (C>A on the coding strand, the complement: DDX41 is on the minus strand). VCF-style: chr5-177516930-G-T. GRCh37 (hg19) VCF-style: chr5-176943931-G-T.
Other names: c.16C>A (NM_016222.2); c.-640C>A (NM_001321732.2); c.-432C>A (NM_001321830.2); short protein forms P6T.
Identifiers: ClinVar variation 3001125 (VCV003001125.4), dbSNP rs2532092429, ClinGen allele CA362378176.